The following is an entry in ClinVar:

ClinVar aggregate classification (germline): Conflicting classifications of pathogenicity. Review status: criteria provided, conflicting classifications (1 of 4 stars). 2 submissions from 2 submitters: Uncertain significance (1); Likely benign (1). Last evaluated 2023-09-07.

Conditions:
Fanconi anemia (FA). Also called: Fanconi's anemia. Identifiers: Orphanet 84, MedGen C0015625, MeSH D005199, MONDO:0019391.

Allele frequency attached by ClinVar (database versions not stated): ExAC 0.00001; gnomAD exomes 0.00001; gnomAD 0.00003; TOPMed 0.00005; ESP Exome Variant Server 0.00008.
gnomAD v4.1: 20 of 1,613,522 alleles (0.0012%); highest among the groups gnomAD compares: Middle Eastern, 0.016%; no homozygotes.

Submissions (2):

Blueprint Genetics
Classification: Likely benign. Last evaluated: 2023-09-07. Review status: criteria provided, single submitter. Criteria: ACMG Guidelines, 2015. Collection method: clinical testing. Allele origin: germline.

Labcorp Genetics (formerly Invitae), Labcorp
Classification: Uncertain significance for Fanconi anemia. Last evaluated: 2019-03-01. Review status: criteria provided, single submitter. Criteria: Invitae Variant Classification Sherloc (09022015). Collection method: clinical testing. Allele origin: germline.
Comment: This sequence change replaces valine with isoleucine at codon 289 of the FANCD2 protein (p.Val289Ile). The valine residue is moderately conserved and there is a small physicochemical difference between valine and isoleucine. This variant is present in population databases (rs371273577, ExAC 0.01%). This variant has not been reported in the literature in individuals with FANCD2-related conditions. Algorithms developed to predict the effect of missense changes on protein structure and function output the following: SIFT: "Tolerated"; PolyPhen-2: "Benign"; Align-GVGD: "Class C0". The isoleucine amino acid residue is found in multiple mammalian species, suggesting that this missense change does not adversely affect protein function. These predictions have not been confirmed by published functional studies and their clinical significance is uncertain. In summary, the available evidence is currently insufficient to determine the role of this variant in disease. Therefore, it has been classified as a Variant of Uncertain Significance.

NM_001018115.3(FANCD2):c.865G>A (p.Val289Ile)

Genes: FANCD2 (FA complementation group D2; plus strand), LOC107303338 (3p25 FANCD2 Alu-mediated recombination region; plus strand). Cytogenetic location: 3p25.3.
Variant type: single nucleotide variant.
Coding change: c.865G>A on transcript NM_001018115.3 (MANE Select); coding-DNA position 865, G replaced by A.
Protein change: p.Val289Ile; replaces valine 289 with isoleucine.
Molecular consequence: missense variant.
Genome position (GRCh38, 1-based): chr3:10,042,640, G>A. VCF-style: chr3-10042640-G-A. GRCh37 (hg19) VCF-style: chr3-10084324-G-A.
Other names: c.865G>A, p.Val289Ile (NM_001319984.2, NM_001374253.1, NM_001374254.1 and 1 more transcripts); short protein forms V289I.
Identifiers: ClinVar variation 851978 (VCV000851978.2), dbSNP rs371273577, ClinGen allele CA2249387.